The following is an entry in ClinVar:

ClinVar aggregate classification (germline): Uncertain significance. Review status: criteria provided, multiple submitters, no conflicts (2 of 4 stars). 2 submissions from 2 submitters: Uncertain significance (2). Last evaluated 2024-10-29.

Conditions:
Early-infantile DEE. Also called: Early infantile epileptic encephalopathy; Ohtahara syndrome; Early infantile epileptic encephalopathy with suppression bursts. Identifiers: Orphanet 1934, MedGen C0393706, MONDO:0800491.

Submissions (2):

Labcorp Genetics (formerly Invitae), Labcorp
Classification: Uncertain significance for Early-infantile DEE. Last evaluated: 2024-10-29. Review status: criteria provided, single submitter. Criteria: Invitae Variant Classification Sherloc (09022015). Collection method: clinical testing. Allele origin: germline.
Comment: This sequence change replaces methionine, which is neutral and non-polar, with isoleucine, which is neutral and non-polar, at codon 1313 of the SCN8A protein (p.Met1313Ile). This variant is not present in population databases (gnomAD no frequency). This variant has not been reported in the literature in individuals affected with SCN8A-related conditions. ClinVar contains an entry for this variant (Variation ID: 426295). Invitae Evidence Modeling of protein sequence and biophysical properties (such as structural, functional, and spatial information, amino acid conservation, physicochemical variation, residue mobility, and thermodynamic stability) indicates that this missense variant is expected to disrupt SCN8A protein function with a positive predictive value of 95%. In summary, the available evidence is currently insufficient to determine the role of this variant in disease. Therefore, it has been classified as a Variant of Uncertain Significance.

GeneDx
Classification: Uncertain significance. Last evaluated: 2017-04-21. Review status: criteria provided, single submitter. Criteria: GeneDx Variant Classification (06012015). Collection method: clinical testing. Allele origin: germline. Affected: yes.
Comment: A variant of uncertain significance has been identified in the SCN8A gene. The M1313I variant has not been published as a pathogenic variant, nor has it been reported as a benign variant to our knowledge. The M1313I variant is not observed in large population cohorts (Lek et al., 2016; 1000 Genomes Consortium et al., 2015; Exome Variant Server). This substitution occurs at a conserved position predicted to be within the intracellular loop between S4 and S5 transmembrane segments of the third homologous domain. In silico analysis predicts this variant is probably damaging to the protein structure/function. However, the M1313I variant is a conservative amino acid substitution, which is not likely to impact secondary protein structure as these residues share similar properties Therefore, based on the currently available information, it is unclear whether this variant is a pathogenic variant or a rare benign variant.

NM_001330260.2(SCN8A):c.3939G>A (p.Met1313Ile)

Gene: SCN8A (sodium voltage-gated channel alpha subunit 8; plus strand). Cytogenetic location: 12q13.13.
Variant type: single nucleotide variant.
Coding change: c.3939G>A on transcript NM_001330260.2 (MANE Select); coding-DNA position 3939, G replaced by A.
Protein change: p.Met1313Ile; replaces methionine 1313 with isoleucine.
Molecular consequence: missense variant. On other transcripts: intron variant (2).
Genome position (GRCh38, 1-based): chr12:51,780,768, G>A. VCF-style: chr12-51780768-G-A. GRCh37 (hg19) VCF-style: chr12-52174552-G-A.
Other names: c.3939G>A, p.Met1313Ile (NM_014191.4); c.3820-5774G>A (NM_001177984.3, NM_001369788.1); short protein forms M1313I.
Identifiers: ClinVar variation 426295 (VCV000426295.8), dbSNP rs1085307546, ClinGen allele CA384901735.